The following is an entry in ClinVar:

NM_001710.6(CFB):c.1508G>A (p.Arg503His)

Gene: CFB (complement factor B; plus strand). Cytogenetic location: 6p21.33.
Variant type: single nucleotide variant.
Coding change: c.1508G>A on transcript NM_001710.6 (MANE Select); coding-DNA position 1508, G replaced by A.
Protein change: p.Arg503His; replaces arginine 503 with histidine.
Molecular consequence: missense variant.
Genome position (GRCh38, 1-based): chr6:31,950,287, G>A. VCF-style: chr6-31950287-G-A. GRCh37 (hg19) VCF-style: chr6-31918064-G-A.
Other names: short protein forms R503H.
Identifiers: ClinVar variation 1389366 (VCV001389366.8), dbSNP rs1396098221, ClinGen allele CA363407527.

ClinVar aggregate classification (germline): Uncertain significance (1 of 4 stars; one submission).

Allele frequency attached by ClinVar (database versions not stated): gnomAD exomes below 0.00001; TOPMed 0.00001.
gnomAD v4.1: 4 of 1,612,488 alleles (0.00025%); highest among the groups gnomAD compares: Non-Finnish European, 0.00034%; no homozygotes.

Submission:

Labcorp Genetics (formerly Invitae), Labcorp
Classification: Uncertain significance. Last evaluated: 2023-09-10. Review status: criteria provided, single submitter. Criteria: Invitae Variant Classification Sherloc (09022015). Collection method: clinical testing. Allele origin: germline.
Comment: This sequence change replaces arginine, which is basic and polar, with histidine, which is basic and polar, at codon 503 of the CFB protein (p.Arg503His). This variant is present in population databases (no rsID available, gnomAD 0.01%). This variant has not been reported in the literature in individuals affected with CFB-related conditions. ClinVar contains an entry for this variant (Variation ID: 1389366). An algorithm developed to predict the effect of missense changes on protein structure and function (PolyPhen-2) suggests that this variant is likely to be tolerated. In summary, the available evidence is currently insufficient to determine the role of this variant in disease. Therefore, it has been classified as a Variant of Uncertain Significance.